The following continues an entry in ClinVar:

NM_000540.3(RYR1):c.7300G>A (p.Gly2434Arg)

Gene: RYR1. ClinVar aggregate classification (germline): Pathogenic; drug response. Pathogenic (1).

Submissions 29 to 45 of 45:

Genetics and Molecular Pathology, SA Pathology
Classification: Pathogenic for Central core myopathy. Last evaluated: 2023-01-04. Review status: criteria provided, single submitter. Criteria: ACMG Guidelines, 2015. Collection method: clinical testing. Allele origin: germline. Inheritance: Autosomal dominant inheritance. Affected: yes. Not counted in ClinVar's aggregate classification.
Comment: The RYR1 c.7300G>A variant is classified as Pathogenic (PS3, PS4, PP3, PP5) The RYR1 c.7300G>A variant is a single nucleotide change in exon 45/106 of the RYR1 gene, which is predicted to change the amino acid glycine at position 2434 in the protein to arginine. The variant has been frequently reported in the literature in association with a malignant hyperthermia and central core disease (PS4). This variant is present at low frequency in population databases. Lopez et al (2018) reports that RYR1 p.G2435R knock-in mice demonstrated gene dose-dependent in vitro and in vivo responses to pharmacological and environmental stressors that parallel those seen in patients with the human RYR1 variant p.G2434R (PMID: 30236258) (PS3). Computational predictions support a deleterious effect on the gene or gene product (PP3). The variant has been reported in dbSNP (rs121918593) and in the HGMD database: CM941269. It has been reported as Drug response by other diagnostic laboratories (ClinVar Variation ID: 12970), including the ClinGen Malignant Hyperthermia Susceptibility Variant Curation Expert Panel (PP5).

MGZ Medical Genetics Center
Classification: Pathogenic for Central core myopathy. Last evaluated: 2022-05-30. Review status: criteria provided, single submitter. Criteria: ACMG Guidelines, 2015. Collection method: clinical testing. Allele origin: germline. Affected: yes. Observed: 3 variant alleles. Not counted in ClinVar's aggregate classification.
Comment: ACMG criteria applied: PS3, PP1_STR, PM1, PM2_SUP, PP3, PP4

Victorian Clinical Genetics Services, Murdoch Childrens Research Institute
Classification: Pathogenic for Malignant hyperthermia, susceptibility to, 1. Last evaluated: 2022-02-02. Review status: criteria provided, single submitter. Criteria: ACMG Guidelines, 2015. Collection method: clinical testing. Allele origin: germline. Inheritance: Autosomal dominant inheritance. Affected: no. Not counted in ClinVar's aggregate classification.
Comment: Based on the classification scheme VCGS_Germline_v1.3.4, this variant is classified as Pathogenic. Following criteria are met: 0103 - Loss of function and gain of function are known mechanisms of disease in this gene and are associated with RYR1-related disorders. Central core disease (MIM#117000), congenital neuromuscular disease with uniform type 1 fiber (MIM#17000) and minicore myopathy with external ophthalmoplegia (MIM#255320) are associated with loss of function, while a gain of function mechanism has been described in the context of malignant hyperthermia susceptibility (MIM#145600; PMIDs: 27855725, 23919265). (I) 0108 - This gene is associated with both recessive and dominant disease (OMIM). (I) 0200 - Variant is predicted to result in a missense amino acid change from glycine to arginine. (I) 0251 - This variant is heterozygous. (I) 0302 - Variant is present in gnomAD (v2) <0.001 for a dominant condition (11 heterozygotes, 0 homozygotes). (SP) 0501 - Missense variant consistently predicted to be damaging by multiple in silico tools or highly conserved with a major amino acid change. (SP) 0604 - Variant is not located in an established domain, motif, hotspot or informative constraint region. (I) 0801 - This variant has very strong previous evidence of pathogenicity in multiple unrelated individuals with susceptibility to malignant hyperthermia (ClinVar, PMID: 28326467). (SP) 1208 - Inheritance information for this variant is not currently available in this individual. (I) Legend: (SP) - Supporting pathogenic, (I) - Information, (SB) - Supporting benign

AiLife Diagnostics
Classification: Pathogenic. Last evaluated: 2022-01-03. Review status: criteria provided, single submitter. Criteria: ACMG Guidelines, 2015. Collection method: clinical testing. Allele origin: germline. Affected: yes. Observed: 1 variant allele. Not counted in ClinVar's aggregate classification.

National Institute of Allergy and Infectious Diseases - Centralized Sequencing Program, National Institutes of Health
Classification: Pathogenic for Malignant hyperthermia susceptibility. Last evaluated: 2021-08-06. Review status: criteria provided, single submitter. Criteria: ACMG Guidelines, 2015. Collection method: clinical testing. Allele origin: germline. Affected: no. Not counted in ClinVar's aggregate classification.

Institute of Medical Genetics and Applied Genomics, University Hospital Tübingen
Classification: Pathogenic. Last evaluated: 2020-10-23. Review status: criteria provided, single submitter. Criteria: ACMG Guidelines, 2015. Collection method: clinical testing. Allele origin: germline. Inheritance: Autosomal unknown. Affected: yes. Not counted in ClinVar's aggregate classification.

Greenwood Genetic Center Diagnostic Laboratories, Greenwood Genetic Center
Classification: Pathogenic. Last evaluated: 2020-08-25. Review status: criteria provided, single submitter. Criteria: ACMG Guidelines, 2015. Collection method: clinical testing. Allele origin: germline. Affected: yes. Not counted in ClinVar's aggregate classification.

HudsonAlpha Institute for Biotechnology
Classification: Pathogenic for Malignant hyperthermia, susceptibility to, 1. Last evaluated: 2020-02-28. Review status: criteria provided, single submitter. Criteria: ACMG Guidelines, 2015. Collection method: research. Allele origin: unknown. Observed: 6 variant alleles. Study: AGHI_GT. Not counted in ClinVar's aggregate classification.

Laboratory for Molecular Medicine, Mass General Brigham Personalized Medicine
Classification: Pathogenic for Malignant hyperthermia of anesthesia. Last evaluated: 2020-01-15. Review status: criteria provided, single submitter. Criteria: ACMG Guidelines, 2015. Collection method: clinical testing. Allele origin: germline. Inheritance: Autosomal dominant inheritance. Not counted in ClinVar's aggregate classification.
Comment: The p.Gly2434Arg variant in RYR1 is an established pathogenic variant for malignant hyperthermia (MH). It has been reported in >100 individuals with MH and segregated with disease in >100 affected relatives from several families (Keating 1994, Phillips 1994, Richter 1997, Sambuughin 2001, Carpenter 2009, Dlamini 2013). This variant has also been reported by other clinical laboratories in ClinVar (Variation ID 12970) and has been identified in 0.008% (10/129020) of European chromosomes by gnomAD. This frequency is low enough to be consistent with the frequency of MH in the general population. In-vitro functional studies provide evidence that the p.Gly2434Arg variant may impact protein function (Richter 1997, Tong 1999, Girard 2001, Weigl 2004). In summary, this variant meets criteria to be classified as pathogenic for MH in an autosomal dominant manner. ACMG/AMP Criteria applied: PS4, PP1_Strong, PS3_Moderate.

Institute of Human Genetics, University of Leipzig Medical Center
Classification: Pathogenic for Malignant hyperthermia, susceptibility to, 1. Last evaluated: 2019-12-10. Review status: criteria provided, single submitter. Criteria: ACMG Guidelines, 2015. Collection method: clinical testing. Allele origin: germline. Affected: yes. Observed: 1 variant allele. Not counted in ClinVar's aggregate classification.

Human Genome Sequencing Center Clinical Lab, Baylor College of Medicine
Classification: Pathogenic for Malignant hyperthermia, susceptibility to, 1. Last evaluated: 2017-05-25. Review status: criteria provided, single submitter. Criteria: ACMG Guidelines, 2015. Collection method: clinical testing. Allele origin: germline. Not counted in ClinVar's aggregate classification.
Comment: This c.7300G>A (p.Gly2434Arg) variant in the RYR1 gene has previously been reported in multiple patients with malignant hyperthermia [PMID 7849712, 23842196, 19648156, 11668625]. This variant has been functionally characterized and shown to have an increased sensitivity to activating concentrations of Ca2+ and to caffeine and 4-chloro-m-cresol in vitro. The variant is classified as pathogenic by the European malignant hyperthermia group. This variant has been observed in one 3 heterozygous individual from the ExAC database. Glycine at position 2434 of the RYR1 protein is highly conserved. While not clinically validated, computer-based algorithms SIFT and Polyphen2 predict this p.Gly2434Arg change to be deleterious. It is thus interpreted as a pathogenic variant.

GeneDx
Classification: Pathogenic. Last evaluated: 2016-11-23. Review status: criteria provided, single submitter. Criteria: GeneDx Variant Classification (06012015). Collection method: clinical testing. Allele origin: germline. Affected: yes. Not counted in ClinVar's aggregate classification.
Comment: The G2434R variant in the RYR1 gene has been published previously as a pathogenic variant associated with malignant hyperthermia (Keating et al., 1994; Carpenter et al., 2009; Riazi et al., 2014). The G2434R variant was not observed in approximately 6,500 individuals of European and African American ancestry in the NHLBI Exome Sequencing Project, indicating it is not a common benign variant in these populations. The G2434R variant is a non-conservative amino acid substitution, which occurs at a position that is conserved across species. Based on the ACMG recommendations, G2434R is interpreted as a pathogenic variant.

Stanford Center for Inherited Cardiovascular Disease, Stanford University
Classification: Pathogenic. Last evaluated: 2016-09-02. Review status: criteria provided, single submitter. Criteria: ACMG Guidelines, 2015. Collection method: provider interpretation. Allele origin: germline. Not counted in ClinVar's aggregate classification.

Hadassah Hebrew University Medical Center
Classification: Pathogenic for Malignant hyperthermia, susceptibility to, 1. Review status: criteria provided, single submitter. Criteria: ACMG Guidelines, 2015. Collection method: research. Allele origin: germline. Affected: no. Observed: 1 variant allele. Not counted in ClinVar's aggregate classification.

Gharavi Laboratory, Columbia University
Classification: Pathogenic. Last evaluated: 2018-09-16. Review status: no assertion criteria provided. Criteria: ACMG Guidelines, 2015. Collection method: research. Allele origin: germline. Affected: yes. Not counted in ClinVar's aggregate classification.

OMIM
Classification: risk factor for MALIGNANT HYPERTHERMIA, SUSCEPTIBILITY TO, 1. Last evaluated: 1997-02-21. Review status: no assertion criteria provided. Collection method: literature only. Allele origin: germline. Not counted in ClinVar's aggregate classification.

RYR1 database
No classification provided. Review status: no classification provided. Collection method: not provided. Allele origin: unknown. Not counted in ClinVar's aggregate classification.

Literature cited by the submitters: PubMed 10484775 (cited by 3 submitters); PubMed 10700782 (cited by 3 submitters); PubMed 10793526 (cited by ClinPGx); PubMed 11575529 (cited by 4 submitters); PubMed 11668625 (cited by 5 submitters); PubMed 12059893 (cited by 3 submitters); PubMed 12124989 (cited by 3 submitters); PubMed 12151923 (cited by 3 submitters); PubMed 12208234 (cited by ClinPGx); PubMed 12411786 (cited by ClinPGx); PubMed 15448513 (cited by ClinPGx); PubMed 15731587 (cited by ClinPGx and All of Us Research Program, National Institutes of Health); PubMed 16163667 (cited by ClinPGx and All of Us Research Program, National Institutes of Health); PubMed 16732128 (cited by ClinPGx); PubMed 16835904 (cited by ClinPGx); PubMed 16917943 (cited by ClinPGx); PubMed 17081152 (cited by ClinPGx); PubMed 18502356 (cited by ClinPGx); PubMed 18564801 (cited by 3 submitters); PubMed 18945287 (cited by ClinPGx); PubMed 19648156 (cited by 5 submitters); PubMed 20681998 (cited by 3 submitters); PubMed 21455645 (cited by 3 submitters); PubMed 21965348 (cited by ClinPGx and All of Us Research Program, National Institutes of Health); PubMed 23558838 (cited by 4 submitters); PubMed 23628358 (cited by 3 submitters); PubMed 24433488 (cited by 4 submitters); PubMed 25268394 (cited by 3 submitters); PubMed 25735680 (cited by 3 submitters); PubMed 25960145 (cited by 4 submitters); PubMed 26994242 (cited by ClinPGx); PubMed 27382027 (cited by ClinPGx); PubMed 27646467 (cited by 3 submitters); PubMed 28063098 (cited by ClinPGx); PubMed 28326467 (cited by ClinPGx and Victorian Clinical Genetics Services, Murdoch Childrens Research Institute); PubMed 7849712 (cited by 11 submitters); PubMed 9030597 (cited by 7 submitters); PubMed 23842196 (cited by 7 submitters); PubMed 9334205 (cited by 6 submitters); PubMed 28687594 (cited by 4 submitters); PubMed 30236258 (cited by 8 submitters); PubMed 30236257 (cited by 5 submitters); PubMed 29635721 (cited by Ambry Genetics and AiLife Diagnostics); PubMed 30788618 (cited by 3 submitters); PubMed 7881417 (cited by 3 submitters); PubMed 17081125 (cited by All of Us Research Program, National Institutes of Health); PubMed 17667681 (cited by All of Us Research Program, National Institutes of Health); PubMed 21118704 (cited by All of Us Research Program, National Institutes of Health); PubMed 23460944 (cited by All of Us Research Program, National Institutes of Health); PubMed 27586648 (cited by 4 submitters); PubMed 31559918 (cited by All of Us Research Program, National Institutes of Health); PubMed 10051009 (cited by Athena Diagnostics and Laboratory for Molecular Medicine, Mass General Brigham Personalized Medicine); PubMed 9873004 (cited by 3 submitters); PubMed 31206373 (cited by Color Diagnostics, LLC DBA Color Health and AiLife Diagnostics); PubMed 23919265 (cited by Victorian Clinical Genetics Services, Murdoch Childrens Research Institute); PubMed 27855725 (cited by Victorian Clinical Genetics Services, Murdoch Childrens Research Institute); PubMed 31589614 (cited by AiLife Diagnostics); PubMed 27831900 (cited by AiLife Diagnostics); PubMed 31321302 (cited by AiLife Diagnostics); PubMed 27431030 (cited by AiLife Diagnostics); PubMed 31447099 (cited by AiLife Diagnostics); PubMed 8661021 (cited by Laboratory for Molecular Medicine, Mass General Brigham Personalized Medicine and OMIM); PubMed 15281512 (cited by Laboratory for Molecular Medicine, Mass General Brigham Personalized Medicine).